The following is an entry in ClinVar:

NM_001114122.3(CHEK1):c.830G>A (p.Arg277Gln)

Gene: CHEK1 (checkpoint kinase 1; plus strand). Cytogenetic location: 11q24.2.
Variant type: single nucleotide variant.
Coding change: c.830G>A on transcript NM_001114122.3 (MANE Select); coding-DNA position 830, G replaced by A.
Protein change: p.Arg277Gln; replaces arginine 277 with glutamine.
Molecular consequence: missense variant. On other transcripts: non-coding transcript variant (2).
Genome position (GRCh38, 1-based): chr11:125,643,807, G>A. VCF-style: chr11-125643807-G-A. GRCh37 (hg19) VCF-style: chr11-125513702-G-A.
Other names: c.830G>A, p.Arg277Gln (NM_001114121.2, NM_001244846.1, NM_001274.5); c.527G>A, p.Arg176Gln (NM_001330427.2); c.548G>A, p.Arg183Gln (NM_001330428.1); c.830G>A (NM_001114122.2); short protein forms R176Q, R183Q, R277Q.
Identifiers: ClinVar variation 2634331 (VCV002634331.2), dbSNP rs775245290, ClinGen allele CA6349533.

ClinVar aggregate classification (germline): Uncertain significance. Review status: criteria provided, multiple submitters, no conflicts (2 of 4 stars). 2 submissions from 2 submitters: Uncertain significance (2). Last evaluated 2024-01-31.

Conditions:
CHEK1-related disorder. Also called: CHEK1-related condition.

Allele frequency attached by ClinVar (database versions not stated): TOPMed 0.00002; gnomAD 0.00003; ExAC 0.00005; gnomAD exomes 0.00006.
gnomAD v4.1: 102 of 1,613,480 alleles (0.0063%); highest among the groups gnomAD compares: Non-Finnish European, 0.0075%; no homozygotes.

Submissions (2):

Ambry Genetics
Classification: Uncertain significance. Last evaluated: 2024-01-31. Review status: criteria provided, single submitter. Criteria: Ambry Variant Classification Scheme 2023. Collection method: clinical testing. Allele origin: germline.

PreventionGenetics, part of Exact Sciences
Classification: Uncertain significance for CHEK1-related condition. Last evaluated: 2023-06-12. Review status: criteria provided, single submitter. Criteria: ACMG Guidelines, 2015. Collection method: clinical testing. Allele origin: germline.
Comment: The CHEK1 c.878G>A variant is predicted to result in the amino acid substitution p.Arg293Gln. To our knowledge, this variant has not been reported in the literature. This variant is reported in 0.0054% of alleles in individuals of European (Non-Finnish) descent in gnomAD. At this time, the clinical significance of this variant is uncertain due to the absence of conclusive functional and genetic evidence.